The following is an entry in ClinVar:

ClinVar aggregate classification (germline): Pathogenic (1 of 4 stars; one submission).

Conditions:
Primary ciliary dyskinesia. Also called: Ciliary dyskinesia. Identifiers: Orphanet 244, MedGen C0008780, MONDO:0016575, HP:0012265.

gnomAD v4.1: 1 of 1,610,404 alleles (0.000062%); highest among the groups gnomAD compares: Non-Finnish European, 0.000085%; no homozygotes.

Submission:

Labcorp Genetics (formerly Invitae), Labcorp
Classification: Pathogenic for Primary ciliary dyskinesia. Last evaluated: 2024-03-28. Review status: criteria provided, single submitter. Criteria: Invitae Variant Classification Sherloc (09022015). Collection method: clinical testing. Allele origin: germline.
Comment: This sequence change creates a premature translational stop signal (p.Trp2804*) in the DNAH11 gene. It is expected to result in an absent or disrupted protein product. Loss-of-function variants in DNAH11 are known to be pathogenic (PMID: 18022865, 20513915, 22184204). This variant is not present in population databases (gnomAD no frequency). This variant has not been reported in the literature in individuals affected with DNAH11-related conditions. For these reasons, this variant has been classified as Pathogenic.

Literature cited by the submitters: PubMed 18022865; PubMed 20513915; PubMed 22184204.

NM_001277115.2(DNAH11):c.8411G>A (p.Trp2804Ter)

Gene: DNAH11 (dynein axonemal heavy chain 11; plus strand). Cytogenetic location: 7p15.3.
Variant type: single nucleotide variant.
Coding change: c.8411G>A on transcript NM_001277115.2 (MANE Select); coding-DNA position 8411, G replaced by A.
Protein change: p.Trp2804Ter; replaces tryptophan 2804 with a stop codon.
Molecular consequence: nonsense.
Genome position (GRCh38, 1-based): chr7:21,744,964, G>A. VCF-style: chr7-21744964-G-A. GRCh37 (hg19) VCF-style: chr7-21784582-G-A.
Other names: short protein forms W2804*.
Identifiers: ClinVar variation 3703576 (VCV003703576.2).